The following is an entry in ClinVar:

ClinVar aggregate classification (germline): Conflicting classifications of pathogenicity. Review status: criteria provided, conflicting classifications (1 of 4 stars). 5 submissions from 5 submitters: Uncertain significance (3); Likely benign (2). Last evaluated 2026-08-28.

Conditions:
ABCA4-related disorder. Also called: ABCA4-related condition; ABCA4-related disorders. Identifiers: MedGen CN239167.
ABCA4-related retinopathy. Also called: ABCA4 retinoapthy; ABCA4-related retinoapthy. Identifiers: MedGen CN322612, MONDO:0800406.

Allele frequency attached by ClinVar (database versions not stated): 1000 Genomes Project 30x 0.00062; ESP Exome Variant Server 0.00069; 1000 Genomes Project 0.00080; TOPMed 0.00104.
gnomAD v4.1: 310 of 1,614,056 alleles (0.019%); highest among the groups gnomAD compares: African/African-American, 0.37%; 1 homozygote.

Submissions (5):

GeneDx
Classification: Uncertain significance. Last evaluated: 2026-08-28. Review status: criteria provided, single submitter. Criteria: GeneDx Variant Classification Process June 2021. Collection method: clinical testing. Allele origin: germline.
Comment: However, additional clinical information was not provided and it is unknown if this individual had an additional variant in the ABCA4 gene (PMID: 28005406); In silico analysis supports that this missense variant does not alter protein structure/function; This variant is associated with the following publications: (PMID: 35120629, 36510129, 28005406)

Labcorp Genetics (formerly Invitae), Labcorp
Classification: Likely benign. Last evaluated: 2026-01-24. Review status: criteria provided, single submitter. Criteria: Invitae Variant Classification Sherloc (09022015). Collection method: clinical testing. Allele origin: germline.

PreventionGenetics, part of Exact Sciences
Classification: Likely benign for ABCA4-related condition. Last evaluated: 2024-10-22. Review status: criteria provided, single submitter. Criteria: ACMG Guidelines, 2015. Collection method: clinical testing. Allele origin: germline.
Comment: This variant is classified as likely benign based on ACMG/AMP sequence variant interpretation guidelines (Richards et al. 2015 PMID: 25741868, with internal and published modifications).

Blueprint Genetics
Classification: Uncertain significance. Last evaluated: 2024-09-20. Review status: criteria provided, single submitter. Criteria: ACMG Guidelines, 2015. Collection method: clinical testing. Allele origin: germline.

Department of Pathology and Laboratory Medicine, Sinai Health System
Classification: Uncertain significance for ABCA4-related retinopathy. Last evaluated: 2023-04-01. Review status: criteria provided, single submitter. Criteria: ACMG Guidelines, 2015. Collection method: research. Allele origin: germline.

NM_000350.3(ABCA4):c.677G>T (p.Arg226Leu)

Gene: ABCA4 (ATP binding cassette subfamily A member 4; minus strand). Cytogenetic location: 1p22.1.
Variant type: single nucleotide variant.
Coding change: c.677G>T on transcript NM_000350.3 (MANE Select); coding-DNA position 677, G replaced by T.
Protein change: p.Arg226Leu; replaces arginine 226 with leucine.
Molecular consequence: missense variant.
Genome position (GRCh38, 1-based): chr1:94,098,885, C>A on the plus strand (G>T on the coding strand, the complement: ABCA4 is on the minus strand). VCF-style: chr1-94098885-C-A. GRCh37 (hg19) VCF-style: chr1-94564441-C-A.
Other names: c.677G>T, p.Arg226Leu (NM_001425324.1); short protein forms R226L.
Identifiers: ClinVar variation 417980 (VCV000417980.19), dbSNP rs144310835, ClinGen allele CA958766.